The following is an entry in ClinVar:

NM_001543.5(NDST1):c.2060C>T (p.Pro687Leu)

Gene: NDST1 (N-deacetylase and N-sulfotransferase 1; plus strand). Cytogenetic location: 5q33.1.
Variant type: single nucleotide variant.
Coding change: c.2060C>T on transcript NM_001543.5 (MANE Select); coding-DNA position 2060, C replaced by T.
Protein change: p.Pro687Leu; replaces proline 687 with leucine.
Molecular consequence: missense variant.
Genome position (GRCh38, 1-based): chr5:150,545,401, C>T. VCF-style: chr5-150545401-C-T. GRCh37 (hg19) VCF-style: chr5-149924963-C-T.
Other names: c.2060C>T, p.Pro687Leu (NM_001301063.2); short protein forms P687L.
Identifiers: ClinVar variation 1687683 (VCV001687683.3), dbSNP rs940152063, ClinGen allele CA129135321.
Genomic context (GRCh38, chr5:150,545,401, plus strand): 5'-ACACCACCTCCGACTTCTACTTTGAGAAAAGCGCCAACTACTTTGATTCAGAAGTGGCGC[C>T]CCGGCGGGCAGCAGCCCTCTTGCCCAAAGCCAAGGTCCTGACCATCCTCATCAACCCCGC-3'
Protein context (NP_001534.1, residues 677-697): SANYFDSEVA[Pro687Leu]RRAAALLPKA

ClinVar aggregate classification (germline): Uncertain significance. Review status: criteria provided, multiple submitters, no conflicts (2 of 4 stars). 2 submissions from 2 submitters: Uncertain significance (2). Last evaluated 2022-03-04.

Allele frequency attached by ClinVar (database versions not stated): gnomAD exomes 0.00001; TOPMed 0.00001; gnomAD 0.00002.
gnomAD v4.1: 17 of 1,614,090 alleles (0.0011%); highest among the groups gnomAD compares: South Asian, 0.0088%; no homozygotes.

Submissions (2):

Blueprint Genetics
Classification: Uncertain significance. Last evaluated: 2022-03-04. Review status: criteria provided, single submitter. Criteria: ACMG Guidelines, 2015. Collection method: clinical testing. Allele origin: germline.

GeneDx
Classification: Uncertain significance. Last evaluated: 2021-11-24. Review status: criteria provided, single submitter. Criteria: GeneDx Variant Classification Process June 2021. Collection method: clinical testing. Allele origin: germline. Affected: yes.
Comment: Not observed at significant frequency in large population cohorts (gnomAD); In silico analysis supports that this missense variant has a deleterious effect on protein structure/function; Has not been previously published as pathogenic or benign to our knowledge